The following is an entry in ClinVar:

ClinVar aggregate classification (germline): Pathogenic (1 of 4 stars; one submission).

Conditions:
Cardiac anomalies - developmental delay - facial dysmorphism syndrome (MRFACD). Also called: Impaired intellectual development and distinctive facial features with or without cardiac defects; MED13L Syndrome. Identifiers: Orphanet 369891, MedGen C5192431, MONDO:0014773, OMIM 616789.

Submission:

Victorian Clinical Genetics Services, Murdoch Childrens Research Institute
Classification: Pathogenic for Cardiac anomalies - developmental delay - facial dysmorphism syndrome. Last evaluated: 2024-10-10. Review status: criteria provided, single submitter. Criteria: ACMG Guidelines, 2015. Collection method: clinical testing. Allele origin: germline. Inheritance: Autosomal dominant inheritance. Affected: yes.
Comment: Based on the classification scheme VCGS_Germline_v1.3.5, this variant is classified as Pathogenic. Following criteria are met: 0102 - Loss of function is a known mechanism of disease in this gene and is associated with impaired intellectual development and distinctive facial features with or without cardiac defects (MIM#616789). (I) 0107 - This gene is associated with autosomal dominant disease. (I) 0115 - Variants in this gene are known to have variable expressivity (PMID: 29511999). (I) 0201 - Variant is predicted to cause nonsense-mediated decay (NMD) and loss of protein (premature termination codon is located at least 54 nucleotides upstream of the final exon-exon junction). (SP) 0251 - This variant is heterozygous. (I) 0301 - Variant is absent from gnomAD (v2, v3 and v4). (SP) 0701 - Other NMD-predicted variants comparable to the one identified in this case have very strong previous evidence for pathogenicity. Many NMD-predicted variants have previously been reported as pathogenic (ClinVar). (SP) 0807 - This variant has no previous evidence of pathogenicity. (I) 0905 - No published segregation evidence has been identified for this variant. (I) 1007 - No published functional evidence has been identified for this variant. (SP) Legend: (SP) - Supporting pathogenic, (I) - Information, (SB) - Supporting benign

Literature cited by the submitters: PubMed 29511999.

NM_015335.5(MED13L):c.2636del (p.Pro879fs)

Gene: MED13L (mediator complex subunit 13L; minus strand). Cytogenetic location: 12q24.21.
Variant type: Deletion.
Coding change: c.2636del on transcript NM_015335.5 (MANE Select); coding-DNA position 2636, one base deleted (C; older notation c.2636delC).
Protein change: p.Pro879fs; shifts the reading frame from proline 879.
Molecular consequence: frameshift variant.
Genome position (GRCh38, 1-based): chr12:115,997,164, G deleted on the plus strand (C on the coding strand, the reverse complement: MED13L is on the minus strand); the first of 2 consecutive G bases (chr12:115,997,164-115,997,165); deleting either gives the same sequence. VCF-style (leftmost placement, unchanged base first): chr12-115997163-AG-A. GRCh37 (hg19) VCF-style: chr12-116434968-AG-A.
Other names: short protein forms P879fs.
Identifiers: ClinVar variation 3377244 (VCV003377244.1).